The following is an entry in ClinVar:

NM_001375567.1(FOCAD):c.2718G>A (p.Gln906=)

Gene: FOCAD (focadhesin; plus strand). Cytogenetic location: 9p21.3.
Variant type: single nucleotide variant.
Coding change: c.2718G>A on transcript NM_001375567.1 (MANE Select); coding-DNA position 2718, G replaced by A.
Protein change: p.Gln906=; no amino-acid change (glutamine 906 retained).
Molecular consequence: synonymous variant.
Genome position (GRCh38, 1-based): chr9:20,907,242, G>A. VCF-style: chr9-20907242-G-A. GRCh37 (hg19) VCF-style: chr9-20907241-G-A.
Other names: c.2613G>A, p.Gln871= (NM_001375568.1, NM_001375570.1); c.2718G>A, p.Gln906= (NM_017794.5).
Identifiers: ClinVar variation 5007430 (VCV005007430.2).

ClinVar aggregate classification (germline): Uncertain significance (1 of 4 stars; one submission).

Conditions:
Liver disease, severe congenital (SCOLIV). Also called: FOCAD DEFICIENCY. Identifiers: MedGen C5774195, MONDO:0859273, OMIM 619991.

gnomAD v4.1: 1 of 1,612,446 alleles (0.000062%); highest among the groups gnomAD compares: Non-Finnish European, 0.000085%; no homozygotes.

Submission:

Juno Genomics, Hangzhou Juno Genomics, Inc
Classification: Uncertain significance for Liver disease, severe congenital. Review status: criteria provided, single submitter. Criteria: ACMG Guidelines, 2015. Collection method: clinical testing. Allele origin: germline.
Comment: Absent from controls (or at extremely low frequency if recessive) in Genome Aggregation Database.;Multiple lines of computational evidence support a deleterious effect on the gene or gene product.